The following is an entry in ClinVar:

ClinVar aggregate classification (germline): Uncertain significance (1 of 4 stars; one submission).

Submission:

Labcorp Genetics (formerly Invitae), Labcorp
Classification: Uncertain significance. Last evaluated: 2023-02-22. Review status: criteria provided, single submitter. Criteria: Invitae Variant Classification Sherloc (09022015). Collection method: clinical testing. Allele origin: germline.
Comment: This variant has not been reported in the literature in individuals affected with MSH3-related conditions. An algorithm developed to predict the effect of missense changes on protein structure and function (PolyPhen-2) suggests that this variant is likely to be tolerated. Algorithms developed to predict the effect of sequence changes on RNA splicing suggest that this variant may disrupt the consensus splice site. In summary, the available evidence is currently insufficient to determine the role of this variant in disease. Therefore, it has been classified as a Variant of Uncertain Significance. This variant is not present in population databases (gnomAD no frequency). This sequence change replaces arginine, which is basic and polar, with glycine, which is neutral and non-polar, at codon 715 of the MSH3 protein (p.Arg715Gly).

NM_002439.5(MSH3):c.2143A>G (p.Arg715Gly)

Gene: MSH3 (mutS homolog 3; plus strand). Cytogenetic location: 5q14.1.
Variant type: single nucleotide variant.
Coding change: c.2143A>G on transcript NM_002439.5 (MANE Select); coding-DNA position 2143, A replaced by G.
Protein change: p.Arg715Gly; replaces arginine 715 with glycine.
Molecular consequence: missense variant.
Genome position (GRCh38, 1-based): chr5:80,768,893, A>G. VCF-style: chr5-80768893-A-G. GRCh37 (hg19) VCF-style: chr5-80064712-A-G.
Other names: short protein forms R715G.
Identifiers: ClinVar variation 2839696 (VCV002839696.3), dbSNP rs2546774246, ClinGen allele CA360279379.